The following is an entry in ClinVar:

NM_005257.6(GATA6):c.119C>T (p.Ser40Phe)

Gene: GATA6 (GATA binding protein 6; plus strand). Cytogenetic location: 18q11.2.
Variant type: single nucleotide variant.
Coding change: c.119C>T on transcript NM_005257.6 (MANE Select); coding-DNA position 119, C replaced by T.
Protein change: p.Ser40Phe; replaces serine 40 with phenylalanine.
Molecular consequence: missense variant.
Genome position (GRCh38, 1-based): chr18:22,171,263, C>T. VCF-style: chr18-22171263-C-T. GRCh37 (hg19) VCF-style: chr18-19751224-C-T.
Other names: short protein forms S40F.
Identifiers: ClinVar variation 971068 (VCV000971068.9), dbSNP rs2033036579, ClinGen allele CA401798723.
Genomic context (GRCh38, chr18:22,171,263, plus strand): 5'-ACGCCAGCGACTCCAGAGCCTTTCCAGCGCGGGAGCCCTCCACGCCGCCTTCCCCCATCT[C>T]TTCCTCGTCCTCCTCCTGCTCCCGGGGCGGAGAGCGGGGCCCCGGCGGCGCCAGCAACTG-3'
Protein context (NP_005248.2, residues 30-50): REPSTPPSPI[Ser40Phe]SSSSSCSRGG

ClinVar aggregate classification (germline): Uncertain significance (1 of 4 stars; one submission).

Conditions:
Atrioventricular septal defect 5 (AVSD5). Identifiers: MedGen C3280939, MONDO:0013769, OMIM 614474.

Submission:

Labcorp Genetics (formerly Invitae), Labcorp
Classification: Uncertain significance for Atrioventricular septal defect 5. Last evaluated: 2021-05-01. Review status: criteria provided, single submitter. Criteria: Invitae Variant Classification Sherloc (09022015). Collection method: clinical testing. Allele origin: germline.
Comment: In summary, the available evidence is currently insufficient to determine the role of this variant in disease. Therefore, it has been classified as a Variant of Uncertain Significance. Algorithms developed to predict the effect of missense changes on protein structure and function are either unavailable or do not agree on the potential impact of this missense change (SIFT: "Deleterious"; PolyPhen-2: "Benign"; Align-GVGD: "Class C0"). This variant has not been reported in the literature in individuals with GATA6-related conditions. ClinVar contains an entry for this variant (Variation ID: 971068). This variant is not present in population databases (ExAC no frequency). This sequence change replaces serine with phenylalanine at codon 40 of the GATA6 protein (p.Ser40Phe). The serine residue is weakly conserved and there is a large physicochemical difference between serine and phenylalanine.